The following is an entry in ClinVar:

NM_004531.5(MOCS2):c.107T>C (p.Met36Thr)

Gene: MOCS2 (molybdenum cofactor synthesis 2; minus strand). Cytogenetic location: 5q11.2.
Variant type: single nucleotide variant.
Coding change: c.107T>C on transcript NM_004531.5 (MANE Select); coding-DNA position 107, T replaced by C.
Protein change: p.Met36Thr; replaces methionine 36 with threonine.
Molecular consequence: missense variant. On other transcripts: 3 prime UTR variant (1).
Genome position (GRCh38, 1-based): chr5:53,102,216, A>G on the plus strand (T>C on the coding strand, the complement: MOCS2 is on the minus strand). VCF-style: chr5-53102216-A-G. GRCh37 (hg19) VCF-style: chr5-52398046-A-G.
Other names: c.*27T>C (NM_176806.4); short protein forms M36T.
Identifiers: ClinVar variation 1486598 (VCV001486598.4), dbSNP rs774862394, ClinGen allele CA3263715.

ClinVar aggregate classification (germline): Uncertain significance. Review status: criteria provided, multiple submitters, no conflicts (2 of 4 stars). 2 submissions from 2 submitters: Uncertain significance (2). Last evaluated 2024-02-08.

Conditions:
Sulfite oxidase deficiency due to molybdenum cofactor deficiency type B1 (MOCODB1). Also called: Molybdenum cofactor deficiency, complementation group B; MOLYBDENUM COFACTOR DEFICIENCY, TYPE B1; Molybdenum cofactor deficiency B; Sulfite oxidase deficiency due to molybdenum cofactor deficiency type B. Identifiers: Orphanet 308393, Orphanet 833, MedGen C6065887, MONDO:0009644, OMIM 252160.

Allele frequency attached by ClinVar (database versions not stated): TOPMed 0.00002; gnomAD 0.00004; ExAC 0.00007; gnomAD exomes 0.00008.

Submissions (2):

Fulgent Genetics
Classification: Uncertain significance for Sulfite oxidase deficiency due to molybdenum cofactor deficiency type B1. Last evaluated: 2024-02-08. Review status: criteria provided, single submitter. Criteria: ACMG Guidelines, 2015. Collection method: clinical testing. Allele origin: germline.

Labcorp Genetics (formerly Invitae), Labcorp
Classification: Uncertain significance. Last evaluated: 2022-08-31. Review status: criteria provided, single submitter. Criteria: Invitae Variant Classification Sherloc (09022015). Collection method: clinical testing. Allele origin: germline.
Comment: This sequence change replaces methionine, which is neutral and non-polar, with threonine, which is neutral and polar, at codon 36 of the MOCS2B protein (p.Met36Thr). This variant is present in population databases (rs774862394, gnomAD 0.03%). This variant has not been reported in the literature in individuals affected with MOCS2B-related conditions. ClinVar contains an entry for this variant (Variation ID: 1486598). Algorithms developed to predict the effect of missense changes on protein structure and function output the following: SIFT: "Deleterious"; PolyPhen-2: "Benign"; Align-GVGD: "Class C0". The threonine amino acid residue is found in multiple mammalian species, which suggests that this missense change does not adversely affect protein function. In summary, the available evidence is currently insufficient to determine the role of this variant in disease. Therefore, it has been classified as a Variant of Uncertain Significance.